The following is an entry in ClinVar:

ClinVar aggregate classification (germline): Conflicting classifications of pathogenicity. Review status: criteria provided, conflicting classifications (1 of 4 stars). 2 submissions from 2 submitters: Likely pathogenic (1); Uncertain significance (1). Last evaluated 2021-09-15.

Conditions:
WRN-related disorder. Also called: WRN-related condition.
Werner syndrome (WRN). Identifiers: Orphanet 902, MedGen C0043119, MONDO:0010196, OMIM 277700.

Allele frequency attached by ClinVar (database versions not stated): gnomAD exomes below 0.00001; TOPMed below 0.00001.

Submissions (2):

Labcorp Genetics (formerly Invitae), Labcorp
Classification: Uncertain significance for Werner syndrome. Last evaluated: 2021-09-15. Review status: criteria provided, single submitter. Criteria: Invitae Variant Classification Sherloc (09022015). Collection method: clinical testing. Allele origin: germline.
Comment: This sequence change falls in intron 32 of the WRN gene. It does not directly change the encoded amino acid sequence of the WRN protein. It affects a nucleotide within the consensus splice site of the intron. This variant is not present in population databases (ExAC no frequency). This variant has not been reported in the literature in individuals with WRN-related conditions. Nucleotide substitutions within the consensus splice site are a relatively common cause of aberrant splicing (PMID: 17576681, 9536098). Algorithms developed to predict the effect of sequence changes on RNA splicing suggest that this variant may disrupt the consensus splice site, but this prediction has not been confirmed by published transcriptional studies. In summary, the available evidence is currently insufficient to determine the role of this variant in disease. Therefore, it has been classified as a Variant of Uncertain Significance.

Blueprint Genetics
Classification: Likely pathogenic for WRN-related disorders. Last evaluated: 2021-07-16. Review status: criteria provided, single submitter. Criteria: ACMG Guidelines, 2015. Collection method: clinical testing. Allele origin: germline. Affected: yes. Observed: 3 variant alleles.

Literature cited by the submitters: PubMed 17576681 (cited by Labcorp Genetics (formerly Invitae), Labcorp); PubMed 9536098 (cited by Labcorp Genetics (formerly Invitae), Labcorp).

NM_000553.6(WRN):c.3819+2dup

Gene: WRN (WRN RecQ like helicase; plus strand). Cytogenetic location: 8p12.
Variant type: Duplication.
Coding change: c.3819+2dup on transcript NM_000553.6 (MANE Select); the canonical splice donor site of the intron after coding-DNA position 3819, one base duplicated (T; older notation c.3819+2dupT).
Molecular consequence: splice donor variant.
Genome position (GRCh38, 1-based): chr8:31,154,757, T duplicated. VCF-style (leftmost placement, unchanged base first): chr8-31154756-G-GT. GRCh37 (hg19) VCF-style: chr8-31012272-G-GT.
Identifiers: ClinVar variation 1440635 (VCV001440635.4), dbSNP rs1563385560, ClinGen allele CA580992674.